The following is an entry in ClinVar:

ClinVar aggregate classification (germline): Pathogenic (1 of 4 stars; one submission).

Submission:

GeneDx
Classification: Pathogenic. Last evaluated: 2023-11-28. Review status: criteria provided, single submitter. Criteria: GeneDx Variant Classification Process June 2021. Collection method: clinical testing. Allele origin: germline. Affected: yes.
Comment: Frameshift variant predicted to result in protein truncation or nonsense mediated decay in a gene for which loss of function is a known mechanism of disease; Not observed at significant frequency in large population cohorts (gnomAD); Has not been previously published as pathogenic or benign to our knowledge

NM_000548.5(TSC2):c.4309dup (p.Ser1437fs)

Gene: TSC2 (TSC complex subunit 2; plus strand). Cytogenetic location: 16p13.3.
Variant type: Duplication.
Coding change: c.4309dup on transcript NM_000548.5 (MANE Select); coding-DNA position 4309, one base duplicated (A; older notation c.4309dupA).
Protein change: p.Ser1437fs; shifts the reading frame from serine 1437.
Molecular consequence: frameshift variant. On other transcripts: non-coding transcript variant (5).
Genome position (GRCh38, 1-based): chr16:2,084,531, A duplicated. VCF-style (leftmost placement, unchanged base first): chr16-2084530-C-CA. GRCh37 (hg19) VCF-style: chr16-2134531-C-CA.
Other names: c.4108dup, p.Ser1370fs (NM_001077183.3); c.4240dup, p.Ser1414fs (NM_001114382.3); c.4000dup, p.Ser1334fs (NM_001318827.2); c.3964dup, p.Ser1322fs (NM_001318829.2); c.3577dup, p.Ser1193fs (NM_001318831.2); c.4141dup, p.Ser1381fs (NM_001318832.2); c.4111dup, p.Ser1371fs (NM_001363528.2); c.4177dup, p.Ser1393fs (NM_001370404.1); and 26 more; short protein forms S1170fs, S1171fs, S1193fs, S1213fs, S1214fs, S1217fs, S1237fs, S1321fs.
Identifiers: ClinVar variation 3342706 (VCV003342706.1).